The following is an entry in ClinVar:

NM_002029.4(FPR1):c.443G>C (p.Gly148Ala)

Gene: FPR1 (formyl peptide receptor 1; minus strand). Cytogenetic location: 19q13.41.
Variant type: single nucleotide variant.
Coding change: c.443G>C on transcript NM_002029.4 (MANE Select); coding-DNA position 443, G replaced by C.
Protein change: p.Gly148Ala; replaces glycine 148 with alanine.
Molecular consequence: missense variant.
Genome position (GRCh38, 1-based): chr19:51,746,552, C>G on the plus strand (G>C on the coding strand, the complement: FPR1 is on the minus strand). VCF-style: chr19-51746552-C-G. GRCh37 (hg19) VCF-style: chr19-52249805-C-G.
Other names: c.443G>C, p.Gly148Ala (NM_001193306.2); short protein forms G148A.
Identifiers: ClinVar variation 2868959 (VCV002868959.3), dbSNP rs2083747055, ClinGen allele CA407118791.

ClinVar aggregate classification (germline): Uncertain significance (1 of 4 stars; one submission).

Conditions:
Gingival disorder. Also called: Gingival disease. Identifiers: MedGen C0017563, MONDO:0002021.

Allele frequency attached by ClinVar (database versions not stated): gnomAD exomes below 0.00001.
gnomAD v4.1: 1 of 1,614,150 alleles (0.000062%); highest among the groups gnomAD compares: Non-Finnish European, 0.000085%; no homozygotes.

Submission:

Labcorp Genetics (formerly Invitae), Labcorp
Classification: Uncertain significance for Gingival disorder. Last evaluated: 2023-01-24. Review status: criteria provided, single submitter. Criteria: Invitae Variant Classification Sherloc (09022015). Collection method: clinical testing. Allele origin: germline.
Comment: Algorithms developed to predict the effect of missense changes on protein structure and function (SIFT, PolyPhen-2, Align-GVGD) all suggest that this variant is likely to be tolerated. In summary, the available evidence is currently insufficient to determine the role of this variant in disease. Therefore, it has been classified as a Variant of Uncertain Significance. This variant has not been reported in the literature in individuals affected with FPR1-related conditions. This variant is not present in population databases (gnomAD no frequency). This sequence change replaces glycine, which is neutral and non-polar, with alanine, which is neutral and non-polar, at codon 148 of the FPR1 protein (p.Gly148Ala).